The following is an entry in ClinVar:

NM_000069.3(CACNA1S):c.314T>G (p.Ile105Ser)

Gene: CACNA1S (calcium voltage-gated channel subunit alpha1 S; minus strand). Cytogenetic location: 1q32.1.
Variant type: single nucleotide variant.
Coding change: c.314T>G on transcript NM_000069.3 (MANE Select); coding-DNA position 314, T replaced by G.
Protein change: p.Ile105Ser; replaces isoleucine 105 with serine.
Molecular consequence: missense variant.
Genome position (GRCh38, 1-based): chr1:201,093,966, A>C on the plus strand (T>G on the coding strand, the complement: CACNA1S is on the minus strand). VCF-style: chr1-201093966-A-C. GRCh37 (hg19) VCF-style: chr1-201063094-A-C.
Other names: c.314T>G (NM_000069.2); short protein forms I105S.
Identifiers: ClinVar variation 1351394 (VCV001351394.8), dbSNP rs780307562, ClinGen allele CA079567.
Genomic context (GRCh38, chr1:201,093,966, plus strand): 5'-AGCACATTCCAGCCACTGCGCAGGTAAGCGTCCTGGTGGAATAAGAAGCCGTAGGCAATG[A>C]TCTTCATGGCGGCTTCAATCGAGAAGACAATGAGGAAGAAATACTCCAGCTTCTCCTGTG-3'
Protein context (NP_000060.2, residues 95-115): IVFSIEAAMK[Ile105Ser]IAYGFLFHQD

ClinVar aggregate classification (germline): Uncertain significance. Review status: criteria provided, multiple submitters, no conflicts (2 of 4 stars). 3 submissions from 3 submitters: Uncertain significance (3). Last evaluated 2025-08-07.

Conditions:
Malignant hyperthermia, susceptibility to, 5 (MHS5). Also called: CACNA1S-Related Malignant Hyperthermia Susceptibility. Identifiers: Orphanet 423, MedGen C1866077, MONDO:0011163, OMIM 601887.
Hypokalemic periodic paralysis, type 1. Also called: HypoPP; Hypokalemic Periodic Paralysis Type 1 (AD). Identifiers: Orphanet 681, MedGen C3714580, MONDO:0042979, OMIM 170400.

Allele frequency attached by ClinVar (database versions not stated): gnomAD exomes below 0.00001; ExAC 0.00001; TOPMed 0.00001.
gnomAD v4.1: 1 of 1,614,184 alleles (0.000062%); highest among the groups gnomAD compares: African/African-American, 0.0013%; no homozygotes.

Submissions (3):

Color Diagnostics, LLC DBA Color Health
Classification: Uncertain significance for Malignant hyperthermia, susceptibility to, 5. Last evaluated: 2025-08-07. Review status: criteria provided, single submitter. Criteria: ACMG Guidelines, 2015. Collection method: clinical testing. Allele origin: germline.
Comment: This missense variant replaces isoleucine with serine at codon 105 of the CACNA1S protein. Computational prediction suggests that this variant may have deleterious impact on protein structure and function. To our knowledge, functional studies have not been reported for this variant. This variant has not been reported in individuals affected with CACNA1S-related disorders in the literature. This variant has been identified in 1/251488 chromosomes in the general population by the Genome Aggregation Database (gnomAD). The available evidence is insufficient to determine the role of this variant in disease conclusively. Therefore, this variant is classified as a Variant of Uncertain Significance.

GeneDx
Classification: Uncertain significance. Last evaluated: 2025-02-04. Review status: criteria provided, single submitter. Criteria: GeneDx Variant Classification Process June 2021. Collection method: clinical testing. Allele origin: germline. Affected: yes.
Comment: Not observed at significant frequency in large population cohorts (gnomAD); In silico analysis supports that this missense variant has a deleterious effect on protein structure/function; Has not been previously published as pathogenic or benign to our knowledge

Labcorp Genetics (formerly Invitae), Labcorp
Classification: Uncertain significance for Hypokalemic periodic paralysis, type 1; Malignant hyperthermia, susceptibility to, 5. Last evaluated: 2021-12-03. Review status: criteria provided, single submitter. Criteria: Invitae Variant Classification Sherloc (09022015). Collection method: clinical testing. Allele origin: germline.
Comment: In summary, the available evidence is currently insufficient to determine the role of this variant in disease. Therefore, it has been classified as a Variant of Uncertain Significance. Algorithms developed to predict the effect of missense changes on protein structure and function are either unavailable or do not agree on the potential impact of this missense change (SIFT: "Deleterious"; PolyPhen-2: "Probably Damaging"; Align-GVGD: "Class C0"). This variant has not been reported in the literature in individuals affected with CACNA1S-related conditions. This variant is present in population databases (rs780307562, gnomAD 0.007%). This sequence change replaces isoleucine, which is neutral and non-polar, with serine, which is neutral and polar, at codon 105 of the CACNA1S protein (p.Ile105Ser).